The following is an entry in ClinVar:

NM_001365693.1(MGAM):c.4122+1G>T

Gene: MGAM (maltase-glucoamylase; plus strand). Cytogenetic location: 7q34.
Variant type: single nucleotide variant.
Coding change: c.4122+1G>T on transcript NM_001365693.1 (MANE Select); the canonical splice donor site of the intron after coding-DNA position 4122, G replaced by T.
Molecular consequence: splice donor variant.
Genome position (GRCh38, 1-based): chr7:142,060,374, G>T. VCF-style: chr7-142060374-G-T. GRCh37 (hg19) VCF-style: chr7-141760174-G-T.
Other names: c.4122+1G>T (NM_004668.3).
Identifiers: ClinVar variation 3052844 (VCV003052844.2), dbSNP rs184909179, ClinGen allele CA168120994.

ClinVar aggregate classification (germline): Likely benign (0 of 4 stars; one submission).

Conditions:
MGAM-related disorder. Also called: MGAM-related condition.

Allele frequency attached by ClinVar (database versions not stated): gnomAD exomes 0.00022; 1000 Genomes Project 0.00060; 1000 Genomes Project 30x 0.00062; ExAC 0.00100.
gnomAD v4.1: 367 of 1,613,982 alleles (0.023%); highest among the groups gnomAD compares: East Asian, 0.4%; 3 homozygotes.

Submission:

PreventionGenetics, part of Exact Sciences
Classification: Likely benign for MGAM-related condition. Last evaluated: 2021-05-09. Review status: no assertion criteria provided. Collection method: clinical testing. Allele origin: germline.
Comment: This variant is classified as likely benign based on ACMG/AMP sequence variant interpretation guidelines (Richards et al. 2015 PMID: 25741868, with internal and published modifications).